The following is an entry in ClinVar:

NC_000019.9:g.(?_726118)_(746814_?)dup

Gene: PALM (paralemmin; plus strand). Cytogenetic location: 19p13.3.
Variant type: Duplication.
Identifiers: ClinVar variation 3242673 (VCV003242673.1).

ClinVar aggregate classification (germline): Uncertain significance (1 of 4 stars; one submission).

Submission:

Labcorp Genetics (formerly Invitae), Labcorp
Classification: Uncertain significance. Last evaluated: 2022-12-01. Review status: criteria provided, single submitter. Criteria: Invitae Variant Classification Sherloc (09022015). Collection method: clinical testing. Allele origin: unknown.
Comment: In summary, the available evidence is currently insufficient to determine the role of this variant in disease. Therefore, it has been classified as a Variant of Uncertain Significance. Experimental studies and prediction algorithms are not available or were not evaluated, and the functional significance of this variant is currently unknown. This variant has not been reported in the literature in individuals affected with PALM-related conditions. This variant results in a copy number gain of the genomic region encompassing exon(s) 2-9 of the PALM gene. This region includes the termination codon of the gene. This copy number gain extends beyond the assayed region for this gene and therefore may encompass additional genes. As the precise location of this event is unknown, it may be in tandem or it may be located elsewhere in the genome.